The following is an entry in ClinVar:

ClinVar aggregate classification (germline): Uncertain significance. Review status: criteria provided, multiple submitters, no conflicts (2 of 4 stars). 2 submissions from 2 submitters: Uncertain significance (2). Last evaluated 2024-03-26.

Conditions:
Curry-Hall syndrome (WAD). Also called: WEYERS ACRODENTAL DYSOSTOSIS. Identifiers: Orphanet 952, MedGen C0457013, MONDO:0008673, OMIM 193530.
Ellis-van Creveld syndrome (EVC). Also called: MESOECTODERMAL DYSPLASIA; Chondroectodermal dysplasia. Identifiers: Orphanet 289, MedGen C0013903, MONDO:0009162, OMIM 225500.

Submissions (2):

Blueprint Genetics
Classification: Uncertain significance. Last evaluated: 2024-03-26. Review status: criteria provided, single submitter. Criteria: ACMG Guidelines, 2015. Collection method: clinical testing. Allele origin: germline.

Labcorp Genetics (formerly Invitae), Labcorp
Classification: Uncertain significance for Curry-Hall syndrome; Ellis-van Creveld syndrome. Last evaluated: 2022-06-27. Review status: criteria provided, single submitter. Criteria: Invitae Variant Classification Sherloc (09022015). Collection method: clinical testing. Allele origin: germline.
Comment: This sequence change replaces arginine, which is basic and polar, with proline, which is neutral and non-polar, at codon 22 of the EVC protein (p.Arg22Pro). The frequency data for this variant in the population databases is considered unreliable, as metrics indicate insufficient coverage at this position in the gnomAD database. This variant has not been reported in the literature in individuals affected with EVC-related conditions. ClinVar contains an entry for this variant (Variation ID: 1224318). Algorithms developed to predict the effect of missense changes on protein structure and function are either unavailable or do not agree on the potential impact of this missense change (SIFT: "Deleterious"; PolyPhen-2: "Benign"; Align-GVGD: "Class C0"). In summary, the available evidence is currently insufficient to determine the role of this variant in disease. Therefore, it has been classified as a Variant of Uncertain Significance.

NM_153717.3(EVC):c.65G>C (p.Arg22Pro)

Gene: EVC (EvC ciliary complex subunit 1; plus strand). Cytogenetic location: 4p16.2.
Variant type: single nucleotide variant.
Coding change: c.65G>C on transcript NM_153717.3 (MANE Select); coding-DNA position 65, G replaced by C.
Protein change: p.Arg22Pro; replaces arginine 22 with proline.
Molecular consequence: missense variant.
Genome position (GRCh38, 1-based): chr4:5,711,445, G>C. VCF-style: chr4-5711445-G-C. GRCh37 (hg19) VCF-style: chr4-5713172-G-C.
Other names: c.65G>C, p.Arg22Pro (NM_001306090.2, NM_001306092.2); short protein forms R22P.
Identifiers: ClinVar variation 1224318 (VCV001224318.4), dbSNP rs2151767266, ClinGen allele CA356156448.
Genomic context (GRCh38, chr4:5,711,445, plus strand): 5'-CCCGCGGCGGGGCGGCCTGCAAGAGCGACGCGCGGCTGCTGCTGGGGCGGGACGCGCTGC[G>C]GCCGGCGCCCGCCCTGCTGGCCCCCGCCGTGCTGCTGGGCGCCGCGCTCGGCCTCGGCCT-3'
Protein context (NP_714928.1, residues 12-32): ARLLLGRDAL[Arg22Pro]PAPALLAPAV